The following is an entry in ClinVar:

ClinVar aggregate classification (germline): other. Review status: criteria provided, single submitter (1 of 4 stars). 2 submissions from 2 submitters: other (1). 1 of the submissions does not count toward it. Last evaluated 2016-08-31.

Conditions:
NEK1-related disorder. Also called: NEK1-related condition.
Motor neuron disease. Also called: Degenerative motor system disease; Motor neuron disorder. Identifiers: Orphanet 98503, MedGen C0085084, MONDO:0020128.

Allele frequency attached by ClinVar (database versions not stated): gnomAD exomes below 0.00001; TOPMed below 0.00001; gnomAD 0.00001.

Submissions (2):

Centre for Genomic and Experimental Medicine, University of Edinburgh
Classification: other for Motor neuron disease. Last evaluated: 2016-08-31. Review status: criteria provided, single submitter. Criteria: Submitter's publication. Collection method: case-control. Allele origin: unknown. Affected: yes. Observed: 1 heterozygote.
Comment: Loss-of-function but lacking segregation data

PreventionGenetics, part of Exact Sciences
Classification: Likely pathogenic for NEK1-related condition. Last evaluated: 2023-11-20. Review status: no assertion criteria provided. Collection method: clinical testing. Allele origin: germline. Not counted in ClinVar's aggregate classification.
Comment: The NEK1 c.1864delC variant is predicted to result in a frameshift and premature protein termination (p.Gln622Asnfs*2). This variant was reported in an individual with amyotrophic lateral sclerosis (described as c.1948delC, p.Q650fs in Tables S4 and S5, Black et al. 2016. PubMed ID: 28089114). This variant has not been reported in a large population database, indicating this variant is rare. Protein-truncating variants in NEK1 are expected to be pathogenic although they can display incomplete penetrance. Protein-truncating variants have been documented upstream and downstream of this variant (ClinVar, HGMD, gnomAD). This variant is interpreted as likely pathogenic.

Literature cited by the submitters: PubMed 28089114 (cited by Centre for Genomic and Experimental Medicine, University of Edinburgh).

NM_001199397.3(NEK1):c.1948del (p.Gln650fs)

Gene: NEK1 (NIMA related kinase 1; minus strand). Cytogenetic location: 4q33.
Variant type: Deletion.
Coding change: c.1948del on transcript NM_001199397.3 (MANE Select); coding-DNA position 1948, one base deleted (C; older notation c.1948delC).
Protein change: p.Gln650fs; shifts the reading frame from glutamine 650.
Molecular consequence: frameshift variant. On other transcripts: non-coding transcript variant (1), intron variant (1).
Genome position (GRCh38, 1-based): chr4:169,507,096, G deleted on the plus strand (C on the coding strand, the reverse complement: NEK1 is on the minus strand). VCF-style (leftmost placement, unchanged base first): chr4-169507095-TG-T. GRCh37 (hg19) VCF-style: chr4-170428246-TG-T.
Other names: c.1816del, p.Gln606fs (NM_001199398.3); c.1657del, p.Gln553fs (NM_001199399.3); c.1732del, p.Gln578fs (NM_001199400.3); c.1948del, p.Gln650fs (NM_001374418.1); c.1864del, p.Gln622fs (NM_001374419.1, NM_012224.4); c.1813del, p.Gln605fs (NM_001374420.1); c.1701+619del (NM_001374421.1); short protein forms Q606fs, Q650fs, Q578fs, Q553fs, Q622fs, Q605fs.
Identifiers: ClinVar variation 266042 (VCV000266042.2), dbSNP rs1131690774, ClinGen allele CA645369313.